The following is an entry in ClinVar:

ClinVar aggregate classification (germline): Uncertain significance (1 of 4 stars; one submission).

Submission:

Labcorp Genetics (formerly Invitae), Labcorp
Classification: Uncertain significance. Last evaluated: 2026-01-21. Review status: criteria provided, single submitter. Criteria: Invitae Variant Classification Sherloc (09022015). Collection method: clinical testing. Allele origin: germline.
Comment: This sequence change creates a premature translational stop signal (p.Glu225Glyfs*20) in the SLC9A3R1 gene. It is expected to result in an absent or disrupted protein product. However, the current clinical and genetic evidence is not sufficient to establish whether loss-of-function variants in SLC9A3R1 cause disease. This variant is present in population databases (rs769364805, gnomAD 0.01%). This variant has not been reported in the literature in individuals affected with SLC9A3R1-related conditions. In summary, the available evidence is currently insufficient to determine the role of this variant in disease. Therefore, it has been classified as a Variant of Uncertain Significance.

NM_004252.5(NHERF1):c.674del (p.Glu225fs)

Gene: NHERF1 (NHERF family PDZ scaffold protein 1; plus strand). Cytogenetic location: 17q25.1.
Variant type: Deletion.
Coding change: c.674del on transcript NM_004252.5 (MANE Select); coding-DNA position 674, one base deleted (A; older notation c.674delA).
Protein change: p.Glu225fs; shifts the reading frame from glutamic acid 225.
Molecular consequence: frameshift variant.
Genome position (GRCh38, 1-based): chr17:74,763,437, A deleted. VCF-style (leftmost placement, unchanged base first): chr17-74763436-GA-G. GRCh37 (hg19) VCF-style: chr17-72759575-GA-G.
Other names: short protein forms E225fs.
Identifiers: ClinVar variation 4762397 (VCV004762397.1).